The following is an entry in ClinVar:

NM_004336.5(BUB1):c.359C>G (p.Ala120Gly)

Gene: BUB1 (BUB1 mitotic checkpoint serine/threonine kinase; minus strand). Cytogenetic location: 2q13.
Variant type: single nucleotide variant.
Coding change: c.359C>G on transcript NM_004336.5 (MANE Select); coding-DNA position 359, C replaced by G.
Protein change: p.Ala120Gly; replaces alanine 120 with glycine.
Molecular consequence: missense variant.
Genome position (GRCh38, 1-based): chr2:110,672,724, G>C on the plus strand (C>G on the coding strand, the complement: BUB1 is on the minus strand). VCF-style: chr2-110672724-G-C. GRCh37 (hg19) VCF-style: chr2-111430301-G-C.
Other names: c.299C>G, p.Ala100Gly (NM_001278616.2); c.359C>G, p.Ala120Gly (NM_001278617.2); short protein forms A100G, A120G.
Identifiers: ClinVar variation 2586148 (VCV002586148.2), dbSNP rs1690454695, ClinGen allele CA348220463.
Genomic context (GRCh38, chr2:110,672,724, plus strand): 5'-TATTGTTGTTGCAGGAACTCTCTGGGTTCAGCCTGGTTTTGAATTCCTCTCTGAAGGACA[G>C]CACTGGCATGCTGCAGCTCTCCTTGGGCTTCCAGATGCCCCGCCCAGGCAATGTACAGAG-3'
Protein context (NP_004327.1, residues 110-130): EAQGELQHAS[Ala120Gly]VLQRGIQNQA

ClinVar aggregate classification (germline): Uncertain significance (1 of 4 stars; one submission).

Submission:

Ambry Genetics
Classification: Uncertain significance. Last evaluated: 2023-07-09. Review status: criteria provided, single submitter. Criteria: Ambry Variant Classification Scheme 2023. Collection method: clinical testing. Allele origin: germline.
Comment: The p.A120G variant (also known as c.359C>G), located in coding exon 4 of the BUB1 gene, results from a C to G substitution at nucleotide position 359. The alanine at codon 120 is replaced by glycine, an amino acid with similar properties. This amino acid position is conserved. In addition, this alteration is predicted to be tolerated by in silico analysis. Since supporting evidence is limited at this time, the clinical significance of this alteration remains unclear.